The following is an entry in ClinVar:

NM_007294.4(BRCA1):c.5406+1G>C

Gene: BRCA1 (BRCA1 DNA repair associated; minus strand). Cytogenetic location: 17q21.31.
Variant type: single nucleotide variant.
Coding change: c.5406+1G>C on transcript NM_007294.4 (MANE Select); the canonical splice donor site of the intron after coding-DNA position 5406, G replaced by C.
Molecular consequence: splice donor variant. On other transcripts: intron variant (19).
Genome position (GRCh38, 1-based): chr17:43,049,120, C>G on the plus strand (G>C on the coding strand, the complement: BRCA1 is on the minus strand). VCF-style: chr17-43049120-C-G. GRCh37 (hg19) VCF-style: chr17-41201137-C-G.
Other names: c.5210-1417G>C (NM_001407937.1, NM_001407938.1); c.5283+1G>C (NM_001407669.1, NM_001407666.1, NM_001407664.1 and 3 more transcripts); c.2094+1G>C (NM_001407979.1, NM_001407982.1, NM_001407992.1 and 10 more transcripts); c.2097+1G>C (NM_001407977.1, NM_001407978.1, NM_001407975.1 and 3 more transcripts); c.5400+1G>C (NM_001407642.1, NM_001407634.1, NM_001407629.1 and 13 more transcripts); c.5403+1G>C (NM_001407625.1, NM_001407619.1, NM_001407610.1 and 14 more transcripts); c.5278-1417G>C (NM_001407684.1); c.5406+1G>C (NM_001407594.1, NM_001407593.1, NM_001407597.1 and 5 more transcripts); and 84 more.
Identifiers: ClinVar variation 868427 (VCV000868427.8), dbSNP rs80358028, ClinGen allele CA10590665.
Genomic context (GRCh38, chr17:43,049,120, plus strand): 5'-AGTCTTGCTCACAGGAGAGAATATTGTGTCCTCCCTCTCTGACAGGGCACCCAATACTTA[C>G]TGTGCCAAGGGTGAATGATGAAAGCTCCTTCACCACAGAAGCACCACACAGCTGTACCAT-3'

ClinVar aggregate classification (germline): Pathogenic (1 of 4 stars; one submission).

Conditions:
Hereditary breast ovarian cancer syndrome. Also called: Hereditary breast and ovarian cancer; Hereditary breast and ovarian cancer syndrome (HBOC); Breast and ovarian cancer; Hereditary breast and/or ovarian cancer syndrome; BRCA1- and BRCA2-Associated Hereditary Breast and Ovarian Cancer; Hereditary breast and ovarian cancer syndrome. Identifiers: Orphanet 145, MedGen C0677776, MeSH D061325, MONDO:0003582. Disease mechanism: loss of function.

Submissions (2):

Labcorp Genetics (formerly Invitae), Labcorp
Classification: Pathogenic for Hereditary breast ovarian cancer syndrome. Last evaluated: 2022-10-10. Review status: criteria provided, single submitter. Criteria: Invitae Variant Classification Sherloc (09022015). Collection method: clinical testing. Allele origin: germline.
Comment: For these reasons, this variant has been classified as Pathogenic. Algorithms developed to predict the effect of sequence changes on RNA splicing suggest that this variant may disrupt the consensus splice site. Experimental studies have shown that disruption of this splice site affects BRCA1 function (PMID: 30209399). Algorithms developed to predict the effect of variants on protein structure and function are not available or were not evaluated for this variant. ClinVar contains an entry for this variant (Variation ID: 868427). This variant has not been reported in the literature in individuals affected with BRCA1-related conditions. This variant is not present in population databases (gnomAD no frequency). This sequence change affects a donor splice site in intron 21 of the BRCA1 gene. It is expected to disrupt RNA splicing. Variants that disrupt the donor or acceptor splice site typically lead to a loss of protein function (PMID: 16199547), and loss-of-function variants in BRCA1 are known to be pathogenic (PMID: 20104584).

Brotman Baty Institute, University of Washington
No classification provided (evidence only). Condition: Breast-ovarian cancer, familial 1. Review status: no classification provided. Collection method: in vitro. Allele origin: not applicable. Functional consequence: functionally_abnormal. Not counted in ClinVar's aggregate classification.
ClinVar note: "not provided" was previously submitted as the classification for the variant. However, the classification appeared to be based only on an observation of functional data so it was converted to no classification on 2025-07-30.

Literature cited by the submitters: PubMed 30209399 (cited by Labcorp Genetics (formerly Invitae), Labcorp); PubMed 16199547 (cited by Labcorp Genetics (formerly Invitae), Labcorp); PubMed 20104584 (cited by Labcorp Genetics (formerly Invitae), Labcorp).